The following is an entry in ClinVar:

ClinVar aggregate classification (germline): Uncertain significance (1 of 4 stars; one submission).

Conditions:
Glycogen storage disease, type II (IOPD). Also called: GLYCOGENOSIS, GENERALIZED, CARDIAC FORM; GSD II; CARDIOMEGALIA GLYCOGENICA DIFFUSA; Glycogen storage disease type 2; Acid maltase deficiency disease; Aglucosidase alfa. Identifiers: Orphanet 365, MedGen C0017921, MONDO:0009290, OMIM 232300.

Allele frequency attached by ClinVar (database versions not stated): gnomAD exomes below 0.00001.

Submission:

Labcorp Genetics (formerly Invitae), Labcorp
Classification: Uncertain significance for Glycogen storage disease, type II. Last evaluated: 2024-11-02. Review status: criteria provided, single submitter. Criteria: Invitae Variant Classification Sherloc (09022015). Collection method: clinical testing. Allele origin: germline.
Comment: This sequence change replaces leucine, which is neutral and non-polar, with phenylalanine, which is neutral and non-polar, at codon 756 of the GAA protein (p.Leu756Phe). This variant is present in population databases (no rsID available, gnomAD 0.0009%). This variant has not been reported in the literature in individuals affected with GAA-related conditions. ClinVar contains an entry for this variant (Variation ID: 2139777). Invitae Evidence Modeling of protein sequence and biophysical properties (such as structural, functional, and spatial information, amino acid conservation, physicochemical variation, residue mobility, and thermodynamic stability) indicates that this missense variant is expected to disrupt GAA protein function with a positive predictive value of 95%. In summary, the available evidence is currently insufficient to determine the role of this variant in disease. Therefore, it has been classified as a Variant of Uncertain Significance.

NM_000152.5(GAA):c.2266C>T (p.Leu756Phe)

Gene: GAA (alpha glucosidase; plus strand). Cytogenetic location: 17q25.3.
Variant type: single nucleotide variant.
Coding change: c.2266C>T on transcript NM_000152.5 (MANE Select); coding-DNA position 2266, C replaced by T.
Protein change: p.Leu756Phe; replaces leucine 756 with phenylalanine.
Molecular consequence: missense variant.
Genome position (GRCh38, 1-based): chr17:80,117,044, C>T. VCF-style: chr17-80117044-C-T. GRCh37 (hg19) VCF-style: chr17-78090843-C-T.
Other names: c.2266C>T, p.Leu756Phe (NM_001079803.3, NM_001079804.3, NM_001406741.1 and 1 more transcripts); short protein forms L756F.
Identifiers: ClinVar variation 2139777 (VCV002139777.2), dbSNP rs1432543451, ClinGen allele CA401324824.